The following is an entry in ClinVar:

ClinVar aggregate classification (germline): Uncertain significance. Review status: criteria provided, multiple submitters, no conflicts (2 of 4 stars). 7 submissions from 7 submitters: Uncertain significance (6). 1 of the submissions does not count toward it. Last evaluated 2026-01-28.

Conditions:
Cardiac arrhythmia. Also called: Arrhythmia; Cardiac rhythm disease. Identifiers: MedGen C0003811, MONDO:0007263, HP:0011675.
Cardiovascular phenotype. Identifiers: MedGen CN230736.
Familial long QT syndrome (RWS). Also called: Congenital long QT syndrome; Romano-Ward syndrome; VENTRICULAR FIBRILLATION WITH PROLONGED QT INTERVAL. Identifiers: Orphanet 768, MedGen C1141890, MONDO:0019171.
Long QT syndrome (LQTS). Identifiers: MedGen C0023976, MeSH D008133, MONDO:0002442. Disease mechanism: loss of function. Inheritance: Various modes of inheritance.
Long QT syndrome 2 (LQT2). Identifiers: Orphanet 101016, Orphanet 768, MedGen C3150943, MONDO:0013367, OMIM 613688.

Allele frequency attached by ClinVar (database versions not stated): gnomAD exomes 0.00002; TOPMed 0.00003; gnomAD 0.00004 and 0.00003; ExAC 0.00002.
gnomAD v4.1: 41 of 1,614,072 alleles (0.0025%); highest among the groups gnomAD compares: East Asian, 0.0045%; no homozygotes.

Submissions (7):

Labcorp Genetics (formerly Invitae), Labcorp
Classification: Uncertain significance for Long QT syndrome. Last evaluated: 2026-01-28. Review status: criteria provided, single submitter. Criteria: Invitae Variant Classification Sherloc (09022015). Collection method: clinical testing. Allele origin: germline.
Comment: This sequence change replaces threonine, which is neutral and polar, with methionine, which is neutral and non-polar, at codon 436 of the KCNH2 protein (p.Thr436Met). This variant is present in population databases (rs199472901, gnomAD 0.01%). This missense change has been observed in individuals with long QT syndrome (PMID: 9927399; internal data). ClinVar contains an entry for this variant (Variation ID: 67184). An algorithm developed to predict the effect of missense changes on protein structure and function (PolyPhen-2) suggests that this variant is likely to be tolerated. Experimental studies are conflicting or provide insufficient evidence to determine the effect of this variant on KCNH2 function (PMID: 16432067, 23303164, 26129877, 34002542). In summary, the available evidence is currently insufficient to determine the role of this variant in disease. Therefore, it has been classified as a Variant of Uncertain Significance.

Victorian Clinical Genetics Services, Murdoch Childrens Research Institute
Classification: Uncertain significance for Long QT syndrome 2. Last evaluated: 2025-11-26. Review status: criteria provided, single submitter. Criteria: ACMG Guidelines, 2015. Collection method: clinical testing. Allele origin: germline. Affected: yes.
Comment: This variant is classified as VUS-3B. Evidence in support of pathogenic classification: Variant is present in gnomAD <0.001 for a dominant condition (v4: 41 heterozygote(s), 0 homozygote(s)). Additional information: Variant is predicted to result in a missense amino acid change from Thr to Met; This variant is heterozygous; This gene is associated with autosomal dominant disease; Previous reports of pathogenicity for this variant are conflicting. This variant has been reported in the literature in multiple individuals with cardiac phenotypes (PMID: 37904629, 35947370, 11854117, 9927399). Additionally, it has been classified as a VUS by clinical laboratories in ClinVar, in individuals with cardiac phenotypes. It has also been observed in five individuals from a healthy Chinese population cohort (PMID: 32355288). Furthermore, it was reported in an individual with chronic atrial fibrillation, but a normal QT interval (PMID: 26129877); No published evidence of segregation with disease has been identified for this variant; Functional evidence for this variant is conflicting. In vitro models and patch clamp assays have suggested that this variant is pro-arrhythmogenic and electrophysiologically has increased peak currents and slower channel deactivation (PMID: 34135774, 26129877). However, another patch clamp study showed that channel function did not significantly differ from wildtype (PMID: 16432067). Additionally, western blotting did not show a trafficking defect (PMID: 16432067); No comparable missense variants have previous evidence for pathogenicity; Variant is located in the annotated S1-S2 transmembrane-spanning extracellular region (PMID: 16432067); Missense variant with inconclusive in silico prediction and/or uninformative conservation; Dominant negative and loss of function are known mechanisms of disease in this gene and are associated with long QT syndrome 2 (MIM#613688). Gain of function is also a known mechanism associated with short QT syndrome 1 (MIM#609620) (OMIM, PMID: 10753933; PMID: 21777565); The condition associated with this gene has incomplete penetrance (PMID: 20301308); Inheritance information for this variant is not currently available in this individual.

Color Diagnostics, LLC DBA Color Health
Classification: Uncertain significance for Cardiac arrhythmia. Last evaluated: 2025-08-11. Review status: criteria provided, single submitter. Criteria: ACMG Guidelines, 2015. Collection method: clinical testing. Allele origin: germline.
Comment: This missense variant replaces threonine with methionine at codon 436 of the KCNH2 protein. Computational prediction is inconclusive regarding the impact of this variant on protein structure and function. Functional studies have been inconsistent regarding the impact of this variant on KCNH2 protein function (PMID: 16432067, 23303164, 26129877, 34002542). This variant has been identified in at least two individuals affected with long QT syndrome (PMID: 9927399, 10973849, ClinVar SCV000752717.3). In one of these probands, this variant was reported to be de novo (PMID: 9927399). This variant has also been reported in individuals affected with atrial fibrillation (PMID: 26129877), epilepsy (PMID: 31696929, 34002542), and dilated cardiomyopathy (PMID: 37904629). This variant has been identified in 9/282850 chromosomes in the general population by the Genome Aggregation Database (gnomAD). The available evidence is insufficient to determine the role of this variant in disease conclusively. Therefore, this variant is classified as a Variant of Uncertain Significance.

All of Us Research Program, National Institutes of Health
Classification: Uncertain significance for Long QT syndrome. Last evaluated: 2024-09-23. Review status: criteria provided, single submitter. Criteria: ACMG Guidelines, 2015. Collection method: clinical testing. Allele origin: germline. Inheritance: Autosomal dominant inheritance. Observed: 10 variant alleles, 10 heterozygotes.
Comment: This missense variant replaces threonine with methionine at codon 436 of the KCNH2 protein. Computational prediction is inconclusive regarding the impact of this variant on protein structure and function (internally defined REVEL score threshold 0.5 < inconclusive < 0.7, PMID: 27666373). Functional studies have been inconsistent regarding the ability of this variant to impair KCNH2 protein function (PMID: 16432067, 23303164, 26129877, 34002542). This variant has been identified in at least two individuals affected with long QT syndrome and reported to be de novo in one of them (PMID: 9927399, 10973849, ClinVar SCV000752717.3). This variant has also been reported in individuals affected with atrial fibrillation (PMID: 26129877), epilepsy (PMID: 31696929, 34002542), and dilated cardiomyopathy (PMID: 37904629). This variant has been identified in 9/282850 chromosomes in the general population by the Genome Aggregation Database (gnomAD). Although there is a suspicion for a pathogenic role, the available evidence is insufficient to determine the role of this variant in disease conclusively. Therefore, this variant is classified as a Variant of Uncertain Significance.

This study involves interpretation of variants in research participants for the purpose of population health screening. Participant phenotype was not available at the time of variant classification. Additional details can be found in publication PMID: 35346344, PMCID: PMC8962531

Ambry Genetics
Classification: Uncertain significance for Cardiovascular phenotype. Last evaluated: 2022-02-15. Review status: criteria provided, single submitter. Criteria: Ambry Variant Classification Scheme 2023. Collection method: clinical testing. Allele origin: germline.

GeneDx
Classification: Uncertain significance. Last evaluated: 2020-08-26. Review status: criteria provided, single submitter. Criteria: GeneDx Variant Classification Process June 2021. Collection method: clinical testing. Allele origin: germline. Affected: yes.
Comment: Reported in association with LQTS and atrial fibrillation (Priori et al., 1999; Hayashi et al., 2015); Reported in ClinVar as a variant of uncertain significance (ClinVar Variant ID# 67184; Landrum et al., 2016); In silico analysis, which includes protein predictors and evolutionary conservation, supports that this variant does not alter protein structure/function; Functional studies to date have not yielded consistent conclusions about the effect of this variant on protein function (Anderson et al., 2006; Jou et al., 2013; Hayashi et al., 2015); This variant is associated with the following publications: (PMID: 16432067, 9927399, 26129877, 23303164, 11854117, 10973849)

Cardiovascular Biomedical Research Unit, Royal Brompton & Harefield NHS Foundation Trust
No classification provided. Condition: Familial long QT syndrome. Review status: no classification provided. Collection method: literature only. Allele origin: germline. Not counted in ClinVar's aggregate classification.
Comment: This variant has been reported as associated with Long QT syndrome in the following publications (PMID:9927399;PMID:11854117;PMID:16432067). This is a literature report, and does not necessarily reflect the clinical interpretation of the Imperial College / Royal Brompton Cardiovascular Genetics laboratory.

Literature cited by the submitters: PubMed 9927399 (cited by 5 submitters); PubMed 16432067 (cited by 5 submitters); PubMed 23303164 (cited by 3 submitters); PubMed 26129877 (cited by 4 submitters); PubMed 34002542 (cited by 3 submitters); PubMed 21777565 (cited by Victorian Clinical Genetics Services, Murdoch Childrens Research Institute); PubMed 34135774 (cited by Victorian Clinical Genetics Services, Murdoch Childrens Research Institute); PubMed 10753933 (cited by Victorian Clinical Genetics Services, Murdoch Childrens Research Institute); PubMed 20301308 (cited by Victorian Clinical Genetics Services, Murdoch Childrens Research Institute); PubMed 37904629 (cited by 3 submitters); PubMed 35947370 (cited by Victorian Clinical Genetics Services, Murdoch Childrens Research Institute); PubMed 11854117 (cited by Victorian Clinical Genetics Services, Murdoch Childrens Research Institute and Cardiovascular Biomedical Research Unit, Royal Brompton & Harefield NHS Foundation Trust); PubMed 32355288 (cited by Victorian Clinical Genetics Services, Murdoch Childrens Research Institute); PubMed 10973849 (cited by Color Diagnostics, LLC DBA Color Health and All of Us Research Program, National Institutes of Health); PubMed 31696929 (cited by Color Diagnostics, LLC DBA Color Health and All of Us Research Program, National Institutes of Health); PubMed 22581653 (cited by Cardiovascular Biomedical Research Unit, Royal Brompton & Harefield NHS Foundation Trust).

NM_000238.4(KCNH2):c.1307C>T (p.Thr436Met)

Gene: KCNH2 (potassium voltage-gated channel subfamily H member 2; minus strand). Cytogenetic location: 7q36.1.
Variant type: single nucleotide variant.
Coding change: c.1307C>T on transcript NM_000238.4 (MANE Select); coding-DNA position 1307, C replaced by T.
Protein change: p.Thr436Met; replaces threonine 436 with methionine.
Molecular consequence: missense variant.
Genome position (GRCh38, 1-based): chr7:150,952,675, G>A on the plus strand (C>T on the coding strand, the complement: KCNH2 is on the minus strand). VCF-style: chr7-150952675-G-A. GRCh37 (hg19) VCF-style: chr7-150649763-G-A.
Other names: c.1307C>T (LRG_288t1); c.287C>T, p.Thr96Met (NM_001204798.2, NM_172057.3); c.1019C>T, p.Thr340Met (NM_001406753.1, NM_001406756.1); c.1130C>T, p.Thr377Met (NM_001406755.1); c.1007C>T, p.Thr336Met (NM_001406757.1); c.1307C>T, p.Thr436Met (NM_172056.3); short protein forms T436M, T96M, T340M, T336M, T377M.
Identifiers: ClinVar variation 67184 (VCV000067184.21), dbSNP rs199472901, ClinGen allele CA004440.
Genomic context (GRCh38, chr7:150,952,675, plus strand): 5'-TCCACCACAGCCAGCGGCTGGCAGGCGTAGCCACACTCGGTAGCAGGCGGGCCTTCTTCC[G>A]TCTCCTTCAGCAGGAAGGCAGCCGAGTAGGGTGTGAAGACAGCCGTGTAGATGACCAGCA-3'
Protein context (NP_000229.1, residues 426-446): PYSAAFLLKE[Thr436Met]EEGPPATECG